The following is an entry in ClinVar:

ClinVar aggregate classification (germline): Pathogenic/Likely pathogenic. Review status: criteria provided, multiple submitters, no conflicts (2 of 4 stars). 6 submissions from 6 submitters: Pathogenic (2); Likely pathogenic (2). 2 of the submissions do not count toward it. Last evaluated 2025-11-18.

Conditions:
BBS12-related disorder. Also called: BBS12-related condition.
Bardet-Biedl syndrome (BBS). Identifiers: Orphanet 110, MedGen C0752166, MONDO:0015229.
Bardet-Biedl syndrome 12 (BBS12). Identifiers: Orphanet 110, MedGen C1859570, MONDO:0014440, OMIM 615989.

Allele frequency attached by ClinVar (database versions not stated): gnomAD exomes below 0.00001; ExAC 0.00001; TOPMed 0.00001.

Submissions (6):

Natera, Inc.
Classification: Likely pathogenic for Bardet-Biedl syndrome type 12. Last evaluated: 2025-11-18. Review status: criteria provided, single submitter. Criteria: Natera Variant Classification Schema (03/2026). Collection method: clinical testing. Allele origin: germline.
Comment: The c.49dup variant in BBS12 is a frameshift variant predicted to shift the reading frame beginning at codon 17 and leads to a stop codon 26 codons downstream. This variant is expected to result in nonsense mediated decay, truncation, or a dysfunctional protein product. This variant is rare in the general population with a frequency below the threshold expected for the associated phenotype(s). Given the available evidence, this variant is classified as Likely Pathogenic.

Women's Health and Genetics/Laboratory Corporation of America, LabCorp
Classification: Pathogenic for Bardet-Biedl syndrome. Last evaluated: 2025-04-02. Review status: criteria provided, single submitter. Criteria: LabCorp Variant Classification Summary - May 2015. Collection method: clinical testing. Allele origin: germline.
Comment: Variant summary: BBS12 c.49dupC (p.Gln17ProfsX26) results in a premature termination codon, predicted to cause a truncation of the encoded protein or absence of the protein, which are commonly known mechanisms for disease. The variant allele was found at a frequency of 4e-06 in 251134 control chromosomes. To our knowledge, no occurrence of c.49dupC in individuals affected with Bardet-Biedl Syndrome and no experimental evidence demonstrating its impact on protein function have been reported. Variant downstream of this position has been determined Pathogenic (p.Arg675*) (PMID: 20827784, 21642631). ClinVar contains an entry for this variant (Variation ID: 558579). Based on the evidence outlined above, the variant was classified as pathogenic.

Labcorp Genetics (formerly Invitae), Labcorp
Classification: Pathogenic for Bardet-Biedl syndrome. Last evaluated: 2024-04-13. Review status: criteria provided, single submitter. Criteria: Invitae Variant Classification Sherloc (09022015). Collection method: clinical testing. Allele origin: germline.
Comment: This sequence change creates a premature translational stop signal (p.Gln17Profs*26) in the BBS12 gene. While this is not anticipated to result in nonsense mediated decay, it is expected to disrupt the last 694 amino acid(s) of the BBS12 protein. This variant is present in population databases (rs756061536, gnomAD 0.0009%). This variant has not been reported in the literature in individuals affected with BBS12-related conditions. ClinVar contains an entry for this variant (Variation ID: 558579). This variant disrupts a region of the BBS12 protein in which other variant(s) (p.Arg675*) have been determined to be pathogenic (PMID: 20827784, 21642631). This suggests that this is a clinically significant region of the protein, and that variants that disrupt it are likely to be disease-causing. For these reasons, this variant has been classified as Pathogenic.

Baylor Genetics
Classification: Likely pathogenic for Bardet-Biedl syndrome 12. Last evaluated: 2024-01-30. Review status: criteria provided, single submitter. Criteria: ACMG Guidelines, 2015. Collection method: clinical testing. Allele origin: unknown.

PreventionGenetics, part of Exact Sciences
Classification: Likely pathogenic for BBS12-related condition. Last evaluated: 2024-03-12. Review status: no assertion criteria provided. Collection method: clinical testing. Allele origin: germline. Not counted in ClinVar's aggregate classification.
Comment: The BBS12 c.49dupC variant is predicted to result in a frameshift and premature protein termination (p.Gln17Profs*26). To our knowledge, this variant has not been reported in the literature in association with BBS12-related disease. This variant is reported in 0.00088% of alleles in individuals of European (Non-Finnish) descent in gnomAD. Frameshift variants in BBS12 are expected to be pathogenic. This variant is interpreted as likely pathogenic.

Counsyl
Classification: Likely pathogenic for Bardet-Biedl syndrome 12. Last evaluated: 2018-05-30. Review status: no assertion criteria provided. Collection method: clinical testing. Allele origin: unknown. Not counted in ClinVar's aggregate classification.

Literature cited by the submitters: PubMed 20827784 (cited by Labcorp Genetics (formerly Invitae), Labcorp); PubMed 21642631 (cited by Labcorp Genetics (formerly Invitae), Labcorp).

NM_152618.3(BBS12):c.49dup (p.Gln17fs)

Gene: BBS12 (Bardet-Biedl syndrome 12; plus strand). Cytogenetic location: 4q27.
Variant type: Duplication.
Coding change: c.49dup on transcript NM_152618.3 (MANE Select); coding-DNA position 49, one base duplicated (C; older notation c.49dupC).
Protein change: p.Gln17fs; shifts the reading frame from glutamine 17.
Molecular consequence: frameshift variant.
Genome position (GRCh38, 1-based): chr4:122,741,941, C duplicated. VCF-style (leftmost placement, unchanged base first): chr4-122741940-T-TC. GRCh37 (hg19) VCF-style: chr4-123663095-T-TC.
Other names: c.49dupC (NM_152618.2, NM_152618.3); c.49dup, p.Gln17fs (NM_001178007.2); c.49dup (NM_152618.2); short protein forms Q17fs.
Identifiers: ClinVar variation 558579 (VCV000558579.12), dbSNP rs756061536, ClinGen allele CA3069224.